The following is an entry in ClinVar:

ClinVar aggregate classification (germline): Uncertain significance (1 of 4 stars; one submission).

Conditions:
Cardiovascular phenotype. Identifiers: MedGen CN230736.

Submission:

Ambry Genetics
Classification: Uncertain significance for Cardiovascular phenotype. Last evaluated: 2024-12-21. Review status: criteria provided, single submitter. Criteria: Ambry Variant Classification Scheme 2023. Collection method: clinical testing. Allele origin: germline.
Comment: The p.E211Q variant (also known as c.631G>C), located in coding exon 4 of the CBL gene, results from a G to C substitution at nucleotide position 631. The glutamic acid at codon 211 is replaced by glutamine, an amino acid with highly similar properties. This amino acid position is conserved. In addition, the in silico prediction for this alteration is inconclusive. Based on the available evidence, the clinical significance of this variant remains unclear.

NM_005188.4(CBL):c.631G>C (p.Glu211Gln)

Gene: CBL (Cbl proto-oncogene; plus strand). Cytogenetic location: 11q23.3.
Variant type: single nucleotide variant.
Coding change: c.631G>C on transcript NM_005188.4 (MANE Select); coding-DNA position 631, G replaced by C.
Protein change: p.Glu211Gln; replaces glutamic acid 211 with glutamine.
Molecular consequence: missense variant.
Genome position (GRCh38, 1-based): chr11:119,273,908, G>C. VCF-style: chr11-119273908-G-C. GRCh37 (hg19) VCF-style: chr11-119144618-G-C.
Other names: short protein forms E211Q.
Identifiers: ClinVar variation 3827792 (VCV003827792.1).